The following is an entry in ClinVar:

ClinVar aggregate classification (germline): Likely benign (1 of 4 stars; one submission).

Allele frequency attached by ClinVar (database versions not stated): gnomAD exomes 0.00001; ExAC 0.00002; TOPMed 0.00006; gnomAD 0.00007; ESP Exome Variant Server 0.00008.
gnomAD v4.1: 32 of 1,613,258 alleles (0.002%); highest among the groups gnomAD compares: African/African-American, 0.015%; 1 homozygote.

Submission:

CeGaT Center for Human Genetics Tuebingen
Classification: Likely benign. Last evaluated: 2023-04-01. Review status: criteria provided, single submitter. Criteria: CeGaT Center For Human Genetics Tuebingen Variant Classification Criteria Version 2. Collection method: clinical testing. Allele origin: germline. Affected: yes. Observed: 1 variant allele.
Comment: ATG2A: BP4, BP7

NM_015104.3(ATG2A):c.4104C>T (p.Pro1368=)

Gene: ATG2A (autophagy related 2A; minus strand). Cytogenetic location: 11q13.1.
Variant type: single nucleotide variant.
Coding change: c.4104C>T on transcript NM_015104.3 (MANE Select); coding-DNA position 4104, C replaced by T.
Protein change: p.Pro1368=; no amino-acid change (proline 1368 retained).
Molecular consequence: synonymous variant.
Genome position (GRCh38, 1-based): chr11:64,901,977, G>A on the plus strand (C>T on the coding strand, the complement: ATG2A is on the minus strand). VCF-style: chr11-64901977-G-A. GRCh37 (hg19) VCF-style: chr11-64669449-G-A.
Other names: c.4080C>T, p.Pro1360= (NM_001367971.1); c.4086C>T, p.Pro1362= (NM_001367972.1).
Identifiers: ClinVar variation 2641938 (VCV002641938.24), dbSNP rs368325120, ClinGen allele CA6085274.